The following is an entry in ClinVar:

NM_004984.4(KIF5A):c.2262C>G (p.Ser754Arg)

Gene: KIF5A (kinesin family member 5A; plus strand). Cytogenetic location: 12q13.3.
Variant type: single nucleotide variant.
Coding change: c.2262C>G on transcript NM_004984.4 (MANE Select); coding-DNA position 2262, C replaced by G.
Protein change: p.Ser754Arg; replaces serine 754 with arginine.
Molecular consequence: missense variant.
Genome position (GRCh38, 1-based): chr12:57,576,824, C>G. VCF-style: chr12-57576824-C-G. GRCh37 (hg19) VCF-style: chr12-57970607-C-G.
Other names: c.1995C>G, p.Ser665Arg (NM_001354705.2); short protein forms S754R, S665R.
Identifiers: ClinVar variation 1461118 (VCV001461118.6), dbSNP rs143260492, ClinGen allele CA385511591.

ClinVar aggregate classification (germline): Uncertain significance (1 of 4 stars; one submission).

Conditions:
Spastic paraplegia. Identifiers: MedGen C0037772, HP:0001258.

gnomAD v4.1: 4 of 1,613,708 alleles (0.00025%); highest among the groups gnomAD compares: Non-Finnish European, 0.00034%; no homozygotes.

Submission:

Labcorp Genetics (formerly Invitae), Labcorp
Classification: Uncertain significance for Spastic paraplegia. Last evaluated: 2024-12-09. Review status: criteria provided, single submitter. Criteria: Invitae Variant Classification Sherloc (09022015). Collection method: clinical testing. Allele origin: germline.
Comment: This sequence change replaces serine, which is neutral and polar, with arginine, which is basic and polar, at codon 754 of the KIF5A protein (p.Ser754Arg). This variant is not present in population databases (gnomAD no frequency). This variant has not been reported in the literature in individuals affected with KIF5A-related conditions. ClinVar contains an entry for this variant (Variation ID: 1461118). Invitae Evidence Modeling of protein sequence and biophysical properties (such as structural, functional, and spatial information, amino acid conservation, physicochemical variation, residue mobility, and thermodynamic stability) indicates that this missense variant is not expected to disrupt KIF5A protein function with a negative predictive value of 95%. In summary, the available evidence is currently insufficient to determine the role of this variant in disease. Therefore, it has been classified as a Variant of Uncertain Significance.